The following is an entry in ClinVar:

ClinVar aggregate classification (germline): Uncertain significance (1 of 4 stars; one submission).

Conditions:
SRPRA-related disorder. Also called: SRPRA-related condition.

gnomAD v4.1: 11 of 1,614,178 alleles (0.00068%); highest among the groups gnomAD compares: East Asian, 0.0022%; no homozygotes.

Submission:

PreventionGenetics, part of Exact Sciences
Classification: Uncertain significance for SRPRA-related condition. Last evaluated: 2024-12-17. Review status: criteria provided, single submitter. Criteria: ACMG Guidelines, 2015. Collection method: clinical testing. Allele origin: germline.
Comment: The SRPRA c.1004G>A variant is predicted to result in the amino acid substitution p.Arg335His. To our knowledge, this variant has not been reported in the literature. This variant is reported in 0.0029% of alleles in individuals of Latino descent in gnomAD. At this time, the clinical significance of this variant is uncertain due to the absence of conclusive functional and genetic evidence.

NM_003139.4(SRPRA):c.1004G>A (p.Arg335His)

Gene: SRPRA (SRP receptor subunit alpha; minus strand). Cytogenetic location: 11q24.2.
Variant type: single nucleotide variant.
Coding change: c.1004G>A on transcript NM_003139.4 (MANE Select); coding-DNA position 1004, G replaced by A.
Protein change: p.Arg335His; replaces arginine 335 with histidine.
Molecular consequence: missense variant.
Genome position (GRCh38, 1-based): chr11:126,266,010, C>T on the plus strand (G>A on the coding strand, the complement: SRPRA is on the minus strand). VCF-style: chr11-126266010-C-T. GRCh37 (hg19) VCF-style: chr11-126135905-C-T.
Other names: c.920G>A, p.Arg307His (NM_001177842.2); short protein forms R335H, R307H.
Identifiers: ClinVar variation 4978295 (VCV004978295.1).